The following is an entry in ClinVar:

ClinVar aggregate classification (germline): Likely pathogenic (1 of 4 stars; one submission).

Conditions:
PHIP-related disorder. Also called: PHIP-related disorders; PHIP-related condition.

Submission:

PreventionGenetics, part of Exact Sciences
Classification: Likely pathogenic for PHIP-related condition. Last evaluated: 2025-05-08. Review status: criteria provided, single submitter. Criteria: ACMG Guidelines, 2015. Collection method: clinical testing. Allele origin: germline.
Comment: The PHIP c.4564dupT variant is predicted to result in a frameshift and premature protein termination (p.Ser1522Phefs*14). To our knowledge, this variant has not been reported in the literature or in a large population database (gnomAD), indicating this variant is rare. Frameshift variants in PHIP are expected to be pathogenic. This variant is interpreted as likely pathogenic.

NM_017934.7(PHIP):c.4564dup (p.Ser1522fs)

Genes: IRAK1BP1 (interleukin 1 receptor associated kinase 1 binding protein 1; plus strand), PHIP (PHIP subunit of CUL4-Ring ligase complex; minus strand). Cytogenetic location: 6q14.1.
Variant type: Duplication.
Coding change: c.4564dup on transcript NM_017934.7 (MANE Select); coding-DNA position 4564, one base duplicated (T; older notation c.4564dupT).
Protein change: p.Ser1522fs; shifts the reading frame from serine 1522.
Molecular consequence: frameshift variant.
Genome position (GRCh38, 1-based): chr6:78,946,067, A duplicated on the plus strand (T on the coding strand, the reverse complement: PHIP is on the minus strand). VCF-style (leftmost placement, unchanged base first): chr6-78946066-G-GA. GRCh37 (hg19) VCF-style: chr6-79655783-G-GA.
Other names: short protein forms S1522fs.
Identifiers: ClinVar variation 5002068 (VCV005002068.1).